The following is an entry in ClinVar:

ClinVar aggregate classification (germline): Uncertain significance. Review status: criteria provided, multiple submitters, no conflicts (2 of 4 stars). 2 submissions from 2 submitters: Uncertain significance (2). Last evaluated 2025-09-01.

Conditions:
Epidermodysplasia verruciformis. Identifiers: Orphanet 302, MedGen C0014522, MONDO:0009176.
Inborn genetic diseases. Identifiers: MedGen C0950123, MeSH D030342.

Allele frequency attached by ClinVar (database versions not stated): ExAC 0.00001.
gnomAD v4.1: 12 of 1,604,404 alleles (0.00075%); highest among the groups gnomAD compares: African/African-American, 0.0013%; no homozygotes.

Submissions (2):

Ambry Genetics
Classification: Uncertain significance for Inborn genetic diseases. Last evaluated: 2025-09-01. Review status: criteria provided, single submitter. Criteria: Ambry Variant Classification Scheme 2023. Collection method: clinical testing. Allele origin: germline.

Labcorp Genetics (formerly Invitae), Labcorp
Classification: Uncertain significance for Epidermodysplasia verruciformis. Last evaluated: 2022-04-06. Review status: criteria provided, single submitter. Criteria: Invitae Variant Classification Sherloc (09022015). Collection method: clinical testing. Allele origin: germline.
Comment: This sequence change replaces arginine, which is basic and polar, with tryptophan, which is neutral and slightly polar, at codon 429 of the TMC6 protein (p.Arg429Trp). The frequency data for this variant in the population databases is considered unreliable, as metrics indicate poor data quality at this position in the gnomAD database. This variant has not been reported in the literature in individuals affected with TMC6-related conditions. Algorithms developed to predict the effect of missense changes on protein structure and function output the following: SIFT: "Not Available"; PolyPhen-2: "Benign"; Align-GVGD: "Not Available". The tryptophan amino acid residue is found in multiple mammalian species, which suggests that this missense change does not adversely affect protein function. In summary, the available evidence is currently insufficient to determine the role of this variant in disease. Therefore, it has been classified as a Variant of Uncertain Significance.

NM_001127198.5(TMC6):c.1285C>T (p.Arg429Trp)

Gene: TMC6 (transmembrane channel like 6; minus strand). Cytogenetic location: 17q25.3.
Variant type: single nucleotide variant.
Coding change: c.1285C>T on transcript NM_001127198.5 (MANE Select); coding-DNA position 1285, C replaced by T.
Protein change: p.Arg429Trp; replaces arginine 429 with tryptophan.
Molecular consequence: missense variant. On other transcripts: non-coding transcript variant (4).
Genome position (GRCh38, 1-based): chr17:78,121,654, G>A on the plus strand (C>T on the coding strand, the complement: TMC6 is on the minus strand). VCF-style: chr17-78121654-G-A. GRCh37 (hg19) VCF-style: chr17-76117735-G-A.
Other names: c.1285C>T, p.Arg429Trp (NM_001321185.1, NM_001374593.1, NM_001374594.1 and 4 more transcripts); short protein forms R429W.
Identifiers: ClinVar variation 2155025 (VCV002155025.5), dbSNP rs748800265, ClinGen allele CA8795794.